The following is an entry in ClinVar:

NM_005475.3(SH2B3):c.844C>G (p.Arg282Gly)

Gene: SH2B3 (SH2B adaptor protein 3; plus strand). Cytogenetic location: 12q24.12.
Variant type: single nucleotide variant.
Coding change: c.844C>G on transcript NM_005475.3 (MANE Select); coding-DNA position 844, C replaced by G.
Protein change: p.Arg282Gly; replaces arginine 282 with glycine.
Molecular consequence: missense variant.
Genome position (GRCh38, 1-based): chr12:111,446,951, C>G. VCF-style: chr12-111446951-C-G. GRCh37 (hg19) VCF-style: chr12-111884755-C-G.
Other names: c.238C>G, p.Arg80Gly (NM_001291424.1); short protein forms R282G, R80G.
Identifiers: ClinVar variation 4795539 (VCV004795539.1).

ClinVar aggregate classification (germline): Uncertain significance (1 of 4 stars; one submission).

gnomAD v4.1: 4 of 1,613,896 alleles (0.00025%); highest among the groups gnomAD compares: African/African-American, 0.0027%; no homozygotes.

Submission:

GeneDx
Classification: Uncertain significance. Last evaluated: 2025-08-11. Review status: criteria provided, single submitter. Criteria: GeneDx Variant Classification Process June 2021. Collection method: clinical testing. Allele origin: germline. Affected: yes.
Comment: Not observed at significant frequency in large population cohorts (gnomAD); In silico analysis suggests that this missense variant does not alter protein structure/function; Has not been previously published as pathogenic or benign to our knowledge